The following is an entry in ClinVar:

ClinVar aggregate classification (germline): Pathogenic/Likely pathogenic. Review status: criteria provided, multiple submitters, no conflicts (2 of 4 stars). 4 submissions from 4 submitters: Pathogenic (3); Likely pathogenic (1). Last evaluated 2025-06-06.

Conditions:
Hereditary nonpolyposis colorectal neoplasms. Identifiers: MedGen C0009405, MeSH D003123.
Hereditary cancer-predisposing syndrome. Also called: Tumor predisposition; Hereditary Cancer Syndrome; Neoplastic Syndromes, Hereditary; Hereditary neoplastic syndrome. Identifiers: Orphanet 140162, MedGen C0027672, MeSH D009386, MONDO:0015356.
Endometrial carcinoma. Also called: Endometrial carcinoma, somatic. Identifiers: MedGen C0476089, MONDO:0002447, OMIM 608089, HP:0012114.
Lynch syndrome 5 (LYNCH5). Also called: Colorectal cancer, hereditary nonpolyposis, type 5; Hereditary non-polyposis colorectal cancer, type 5. Identifiers: Orphanet 144, MedGen C1833477, MONDO:0013710, OMIM 614350. Disease mechanism: loss of function.

Submissions (4):

Ambry Genetics
Classification: Pathogenic for Hereditary cancer-predisposing syndrome. Last evaluated: 2025-06-06. Review status: criteria provided, single submitter. Criteria: Ambry Variant Classification Scheme 2023. Collection method: clinical testing. Allele origin: germline.
Comment: The p.E876* pathogenic mutation (also known as c.2626G>T), located in coding exon 4 of the MSH6 gene, results from a G to T substitution at nucleotide position 2626. This changes the amino acid from a glutamic acid to a stop codon within coding exon 4. This alteration is expected to result in loss of function by premature protein truncation or nonsense-mediated mRNA decay. As such, this alteration is interpreted as a disease-causing mutation.

Myriad Genetics, Inc.
Classification: Pathogenic for Lynch syndrome 5. Last evaluated: 2024-11-04. Review status: criteria provided, single submitter. Criteria: Myriad Autosomal Dominant, Autosomal Recessive and X-Linked Classification Criteria (2023). Collection method: clinical testing. Allele origin: unknown.
Comment: This variant is considered pathogenic. This variant creates a termination codon and is predicted to result in premature protein truncation.

Labcorp Genetics (formerly Invitae), Labcorp
Classification: Pathogenic for Hereditary nonpolyposis colorectal neoplasms. Last evaluated: 2022-08-16. Review status: criteria provided, single submitter. Criteria: Invitae Variant Classification Sherloc (09022015). Collection method: clinical testing. Allele origin: germline.
Comment: For these reasons, this variant has been classified as Pathogenic. This variant has not been reported in the literature in individuals affected with MSH6-related conditions. This variant is not present in population databases (gnomAD no frequency). This sequence change creates a premature translational stop signal (p.Glu876*) in the MSH6 gene. It is expected to result in an absent or disrupted protein product. Loss-of-function variants in MSH6 are known to be pathogenic (PMID: 18269114, 24362816).

Baylor Genetics
Classification: Likely pathogenic for Endometrial carcinoma. Last evaluated: 2022-07-09. Review status: criteria provided, single submitter. Criteria: ACMG Guidelines, 2015. Collection method: clinical testing. Allele origin: unknown.

Literature cited by the submitters: PubMed 18269114 (cited by Labcorp Genetics (formerly Invitae), Labcorp); PubMed 24362816 (cited by Labcorp Genetics (formerly Invitae), Labcorp).

NM_000179.3(MSH6):c.2626G>T (p.Glu876Ter)

Gene: MSH6 (mutS homolog 6; plus strand). Cytogenetic location: 2p16.3.
Variant type: single nucleotide variant.
Coding change: c.2626G>T on transcript NM_000179.3 (MANE Select); coding-DNA position 2626, G replaced by T.
Protein change: p.Glu876Ter; replaces glutamic acid 876 with a stop codon.
Molecular consequence: nonsense.
Genome position (GRCh38, 1-based): chr2:47,800,609, G>T. VCF-style: chr2-47800609-G-T. GRCh37 (hg19) VCF-style: chr2-48027748-G-T.
Other names: c.2236G>T, p.Glu746Ter (NM_001281492.2); c.1720G>T, p.Glu574Ter (NM_001281493.2, NM_001281494.2, NM_001406811.1 and 6 more transcripts); c.2722G>T, p.Glu908Ter (NM_001406795.1, NM_001406802.1); c.2626G>T, p.Glu876Ter (NM_001406796.1, NM_001406798.1, NM_001406800.1 and 2 more transcripts); c.2329G>T, p.Glu777Ter (NM_001406797.1, NM_001406801.1, NM_001406805.1 and 10 more transcripts); c.2101G>T, p.Glu701Ter (NM_001406799.1, NM_001406806.1, NM_001406807.1); c.2548G>T, p.Glu850Ter (NM_001406804.1); c.2632G>T, p.Glu878Ter (NM_001406813.1); and 1 more; short protein forms E777*, E850*, E876*, E746*, E908*, E574*, E820*, E701*.
Identifiers: ClinVar variation 1794004 (VCV001794004.10), dbSNP rs2104415820, ClinGen allele CA346755051.